The following is an entry in ClinVar:

NM_016284.5(CNOT1):c.2240C>A (p.Pro747His)

Gene: CNOT1 (CCR4-NOT transcription complex subunit 1; minus strand). Cytogenetic location: 16q21.
Variant type: single nucleotide variant.
Coding change: c.2240C>A on transcript NM_016284.5 (MANE Select); coding-DNA position 2240, C replaced by A.
Protein change: p.Pro747His; replaces proline 747 with histidine.
Molecular consequence: missense variant. On other transcripts: non-coding transcript variant (1).
Genome position (GRCh38, 1-based): chr16:58,558,565, G>T on the plus strand (C>A on the coding strand, the complement: CNOT1 is on the minus strand). VCF-style: chr16-58558565-G-T. GRCh37 (hg19) VCF-style: chr16-58592469-G-T.
Other names: c.2240C>A, p.Pro747His (NM_001265612.2, NM_206999.3); short protein forms P747H.
Identifiers: ClinVar variation 1309217 (VCV001309217.2), dbSNP rs2151940524, ClinGen allele CA396131868.

ClinVar aggregate classification (germline): Uncertain significance (1 of 4 stars; one submission).

Submission:

GeneDx
Classification: Uncertain significance. Last evaluated: 2019-10-18. Review status: criteria provided, single submitter. Criteria: GeneDx Variant Classification Process June 2021. Collection method: clinical testing. Allele origin: germline. Affected: yes.
Comment: Not observed in large population cohorts (Lek et al., 2016); In silico analysis, which includes protein predictors and evolutionary conservation, supports a deleterious effect; Has not been previously published as pathogenic or benign to our knowledge